The following is an entry in ClinVar:

ClinVar aggregate classification (germline): Likely benign (1 of 4 stars; one submission).

Submission:

CeGaT Center for Human Genetics Tuebingen
Classification: Likely benign. Last evaluated: 2022-04-01. Review status: criteria provided, single submitter. Criteria: CeGaT Center For Human Genetics Tuebingen Variant Classification Criteria Version 2. Collection method: clinical testing. Allele origin: germline. Affected: yes. Observed: 1 variant allele.
Comment: CIC: PM2:Supporting, BP4, BP7

NM_001386298.1(CIC):c.2795-2022C>G

Gene: CIC (capicua transcriptional repressor; plus strand). Cytogenetic location: 19q13.2.
Variant type: single nucleotide variant.
Coding change: c.2795-2022C>G on transcript NM_001386298.1 (MANE Select); 2022 bases into the intron before coding-DNA position 2795, C replaced by G.
Molecular consequence: intron variant. On other transcripts: synonymous variant (3).
Genome position (GRCh38, 1-based): chr19:42,284,749, C>G. VCF-style: chr19-42284749-C-G. GRCh37 (hg19) VCF-style: chr19-42788901-C-G.
Other names: c.45C>G, p.Ala15= (NM_001379484.1, NM_001379485.1, NM_015125.5); c.2795-2022C>G (NM_001304815.2, NM_001379482.1, NM_001379480.1).
Identifiers: ClinVar variation 2649973 (VCV002649973.24), dbSNP rs2037499778, ClinGen allele CA507609297.
Genomic context (GRCh38, chr19:42,284,749, plus strand): 5'-CCCCCTGCGCCGGACCATGTATTCGGCCCACAGGCCCCTGATGCCCGCGTCCAGCGCGGC[C>G]TCCCGTGGCCTCGGCATGTTCGGTCAGTAGCGCCTGGGCCCTGGGACTGCAGGGGTCAAG-3'